The following is an entry in ClinVar:

NM_006767.4(LZTR1):c.730T>C (p.Ser244Pro)

Gene: LZTR1 (leucine zipper like post translational regulator 1; plus strand). Cytogenetic location: 22q11.21.
Variant type: single nucleotide variant.
Coding change: c.730T>C on transcript NM_006767.4 (MANE Select); coding-DNA position 730, T replaced by C.
Protein change: p.Ser244Pro; replaces serine 244 with proline.
Molecular consequence: missense variant.
Genome position (GRCh38, 1-based): chr22:20,990,464, T>C. VCF-style: chr22-20990464-T-C. GRCh37 (hg19) VCF-style: chr22-21344753-T-C.
Other names: short protein forms S244P.
Identifiers: ClinVar variation 636792 (VCV000636792.8), dbSNP rs1601718760, ClinGen allele CA410780579.

ClinVar aggregate classification (germline): Conflicting classifications of pathogenicity. Review status: criteria provided, conflicting classifications (1 of 4 stars). 6 submissions from 6 submitters: Pathogenic (1); Likely pathogenic (2); Uncertain significance (1). 2 of the submissions do not count toward it. Last evaluated 2026-02-25.

Conditions:
LZTR1-related disorder. Also called: LZTR1-related disorders; LZTR1-related condition.
Noonan syndrome (NS). Also called: Noonan's syndrome. Identifiers: Orphanet 648, MedGen C0028326, MeSH D009634, MONDO:0018997. Disease mechanism: gain of function.
Noonan syndrome 1 (NS1). Also called: PTPN11-Related Noonan Syndrome; FEMALE PSEUDO-TURNER SYNDROME; TURNER PHENOTYPE WITH NORMAL KARYOTYPE. Identifiers: Orphanet 648, MedGen C4551602, MONDO:0008104, OMIM 163950. Disease mechanism: gain of function.

Submissions (6):

GeneDx
Classification: Likely pathogenic. Last evaluated: 2026-02-25. Review status: criteria provided, single submitter. Criteria: GeneDx Variant Classification Process June 2021. Collection method: clinical testing. Allele origin: germline.
Comment: Identified in patients with features consistent with LZTR1-related RASopathy referred for genetic testing at GeneDx and in published literature (PMID: 31533111); In silico analysis supports that this missense variant has a deleterious effect on protein structure/function; Not observed at significant frequency in large population cohorts (gnomAD); This variant is associated with the following publications: (PMID: 38333672, 39062695, Liu2024[CaseReport], 31533111, 41479212)

Women's Health and Genetics/Laboratory Corporation of America, LabCorp
Classification: Likely pathogenic for Noonan syndrome. Last evaluated: 2025-11-21. Review status: criteria provided, single submitter. Criteria: LabCorp Variant Classification Summary - May 2015. Collection method: clinical testing. Allele origin: germline.
Comment: Variant summary: LZTR1 c.730T>C (p.Ser244Pro) results in a non-conservative amino acid change in the encoded protein sequence. Algorithms developed to predict the effect of missense changes on protein structure and function all suggest that this variant is likely to be disruptive. The variant was absent in 251182 control chromosomes. c.730T>C has been observed in the heterozygous state in at least 2 related individual(s) affected with autosomal dominant Noonan syndrome (example, Gemes_2019), segregating with disease. These data indicate that the variant may be associated with disease. A different missense variant at this codon (c.731C>G, p.Ser244Cys) has been determined to be likely pathogenic/pathogenic by our laboratory, supporting the critical relevance of codon 244 for LZTR1 protein function (PMID: 30859559). To our knowledge, no experimental evidence demonstrating an impact on protein function has been reported. The following publications have been ascertained in the context of this evaluation (PMID: 35840934, 39062695, 38333672, 30859559, 37792958, 31533111). ClinVar contains an entry for this variant (Variation ID: 636792). Based on the evidence outlined above, the variant was classified as likely pathogenic.

Labcorp Genetics (formerly Invitae), Labcorp
Classification: Uncertain significance. Last evaluated: 2025-11-05. Review status: criteria provided, single submitter. Criteria: Invitae Variant Classification Sherloc (09022015). Collection method: clinical testing. Allele origin: germline.
Comment: This sequence change replaces serine, which is neutral and polar, with proline, which is neutral and non-polar, at codon 244 of the LZTR1 protein (p.Ser244Pro). This variant is not present in population databases (gnomAD no frequency). This missense change has been observed in individual(s) with Noonan syndrome (PMID: 31533111). ClinVar contains an entry for this variant (Variation ID: 636792). Invitae Evidence Modeling of protein sequence and biophysical properties (such as structural, functional, and spatial information, amino acid conservation, physicochemical variation, residue mobility, and thermodynamic stability) indicates that this missense variant is not expected to disrupt LZTR1 protein function with a negative predictive value of 80%. This variant disrupts the p.Ser244 amino acid residue in LZTR1. Other variant(s) that disrupt this residue have been determined to be pathogenic (PMID: 20859559). This suggests that this residue is clinically significant, and that variants that disrupt this residue are likely to be disease-causing. In summary, the available evidence is currently insufficient to determine the role of this variant in disease. Therefore, it has been classified as a Variant of Uncertain Significance.

Blueprint Genetics
Classification: Pathogenic for LZTR1-related disorders. Last evaluated: 2021-09-07. Review status: criteria provided, single submitter. Criteria: ACMG Guidelines, 2015. Collection method: clinical testing. Allele origin: germline. Affected: yes. Observed: 5 variant alleles.

Division of Human Genetics, National Health Laboratory Service/University of the Witwatersrand
Classification: Likely pathogenic for Noonan syndrome 1. Review status: no assertion criteria provided. Collection method: research. Allele origin: unknown. Affected: yes. Observed: 1 variant allele. Not counted in ClinVar's aggregate classification.

Molecular Genetics, Centre for Human Genetics
Classification: Likely pathogenic for Noonan syndrome 1. Review status: no assertion criteria provided. Collection method: clinical testing. Allele origin: de novo. Inheritance: Autosomal dominant inheritance. Affected: yes. Observed: 1 variant allele. Not counted in ClinVar's aggregate classification.

Literature cited by the submitters: PubMed 30859559 (cited by Women's Health and Genetics/Laboratory Corporation of America, LabCorp); PubMed 39062695 (cited by Women's Health and Genetics/Laboratory Corporation of America, LabCorp); PubMed 38333672 (cited by Women's Health and Genetics/Laboratory Corporation of America, LabCorp); PubMed 37792958 (cited by Women's Health and Genetics/Laboratory Corporation of America, LabCorp); PubMed 31533111 (cited by Women's Health and Genetics/Laboratory Corporation of America, LabCorp and Labcorp Genetics (formerly Invitae), Labcorp); PubMed 20859559 (cited by Labcorp Genetics (formerly Invitae), Labcorp).